The following is an entry in ClinVar:

NM_006206.6(PDGFRA):c.136T>A (p.Ser46Thr)

Gene: PDGFRA (platelet derived growth factor receptor alpha; plus strand). Cytogenetic location: 4q12.
Variant type: single nucleotide variant.
Coding change: c.136T>A on transcript NM_006206.6 (MANE Select); coding-DNA position 136, T replaced by A.
Protein change: p.Ser46Thr; replaces serine 46 with threonine.
Molecular consequence: missense variant.
Genome position (GRCh38, 1-based): chr4:54,261,181, T>A. VCF-style: chr4-54261181-T-A. GRCh37 (hg19) VCF-style: chr4-55127348-T-A.
Other names: c.136T>A, p.Ser46Thr (NM_001347827.2, NM_001347829.2); c.211T>A, p.Ser71Thr (NM_001347828.2); c.175T>A, p.Ser59Thr (NM_001347830.2); short protein forms S46T, S71T, S59T.
Identifiers: ClinVar variation 854074 (VCV000854074.10), dbSNP rs1722683067, ClinGen allele CA356888322.

ClinVar aggregate classification (germline): Uncertain significance (1 of 4 stars; one submission).

Conditions:
Gastrointestinal stromal tumor. Also called: Gastrointestinal stromal tumor, somatic; Gastrointestinal stroma tumor. Identifiers: Orphanet 44890, MedGen C0238198, MeSH D046152, MONDO:0011719, OMIM 606764, HP:0100723.

Submission:

Labcorp Genetics (formerly Invitae), Labcorp
Classification: Uncertain significance for Gastrointestinal stromal tumor. Last evaluated: 2019-04-01. Review status: criteria provided, single submitter. Criteria: Invitae Variant Classification Sherloc (09022015). Collection method: clinical testing. Allele origin: germline.
Comment: In summary, the available evidence is currently insufficient to determine the role of this variant in disease. Therefore, it has been classified as a Variant of Uncertain Significance. Algorithms developed to predict the effect of missense changes on protein structure and function output the following: SIFT: "Tolerated"; PolyPhen-2: "Benign"; Align-GVGD: "Class C0". The threonine amino acid residue is found in multiple mammalian species, suggesting that this missense change does not adversely affect protein function. These predictions have not been confirmed by published functional studies and their clinical significance is uncertain. This variant has not been reported in the literature in individuals with PDGFRA-related conditions. This variant is not present in population databases (ExAC no frequency). This sequence change replaces serine with threonine at codon 46 of the PDGFRA protein (p.Ser46Thr). The serine residue is moderately conserved and there is a small physicochemical difference between serine and threonine.